The following is an entry in ClinVar:

NM_004364.5(CEBPA):c.983T>G (p.Val328Gly)

Gene: CEBPA (CCAAT enhancer binding protein alpha; minus strand). Cytogenetic location: 19q13.11.
Variant type: single nucleotide variant.
Coding change: c.983T>G on transcript NM_004364.5 (MANE Select); coding-DNA position 983, T replaced by G.
Protein change: p.Val328Gly; replaces valine 328 with glycine.
Molecular consequence: missense variant.
Genome position (GRCh38, 1-based): chr19:33,301,432, A>C on the plus strand (T>G on the coding strand, the complement: CEBPA is on the minus strand). VCF-style: chr19-33301432-A-C. GRCh37 (hg19) VCF-style: chr19-33792338-A-C.
Other names: c.626T>G, p.Val209Gly (NM_001285829.2); c.1088T>G, p.Val363Gly (NM_001287424.2); c.941T>G, p.Val314Gly (NM_001287435.2); short protein forms V209G, V328G, V363G, V314G.
Identifiers: ClinVar variation 941826 (VCV000941826.12), dbSNP rs1422138876, ClinGen allele CA405273782.

ClinVar aggregate classification (germline): Uncertain significance. Review status: criteria provided, multiple submitters, no conflicts (2 of 4 stars). 3 submissions from 3 submitters: Uncertain significance (3). Last evaluated 2025-11-13.

Conditions:
Inborn genetic diseases. Identifiers: MedGen C0950123, MeSH D030342.
Acute myeloid leukemia (AML). Also called: Acute myeloid leukemia, adult; AML adult; Acute non-lymphocytic leukemia; Acute granulocytic leukemia; Leukemia, acute myelogenous, somatic; Leukemia, acute myeloid, somatic. Identifiers: Orphanet 519, MedGen C0023467, MeSH D015470, MONDO:0018874, OMIM 601626, HP:0004808. Disease mechanism: Constitutively activated FLT3.

Allele frequency attached by ClinVar (database versions not stated): gnomAD exomes below 0.00001; TOPMed below 0.00001; gnomAD 0.00001.
gnomAD v4.1: 2 of 1,612,292 alleles (0.00012%); highest among the groups gnomAD compares: African/African-American, 0.0027%; no homozygotes.

Submissions (3):

Ambry Genetics
Classification: Uncertain significance for Inborn genetic diseases. Last evaluated: 2025-11-13. Review status: criteria provided, single submitter. Criteria: Ambry Variant Classification Scheme 2023. Collection method: clinical testing. Allele origin: germline.
Comment: The p.V328G variant (also known as c.983T>G), located in coding exon 1 of the CEBPA gene, results from a T to G substitution at nucleotide position 983. The valine at codon 328 is replaced by glycine, an amino acid with dissimilar properties. This amino acid position is highly conserved in available vertebrate species. In addition, this alteration is predicted to be deleterious by in silico analysis. Based on the available evidence, the clinical significance of this variant remains unclear.

Labcorp Genetics (formerly Invitae), Labcorp
Classification: Uncertain significance for Acute myeloid leukemia. Last evaluated: 2023-09-03. Review status: criteria provided, single submitter. Criteria: Invitae Variant Classification Sherloc (09022015). Collection method: clinical testing. Allele origin: germline.
Comment: This sequence change replaces valine, which is neutral and non-polar, with glycine, which is neutral and non-polar, at codon 328 of the CEBPA protein (p.Val328Gly). This variant is not present in population databases (gnomAD no frequency). This variant has not been reported in the literature in individuals affected with CEBPA-related conditions. ClinVar contains an entry for this variant (Variation ID: 941826). Advanced modeling of protein sequence and biophysical properties (such as structural, functional, and spatial information, amino acid conservation, physicochemical variation, residue mobility, and thermodynamic stability) performed at Invitae indicates that this missense variant is expected to disrupt CEBPA protein function. In summary, the available evidence is currently insufficient to determine the role of this variant in disease. Therefore, it has been classified as a Variant of Uncertain Significance.

GeneDx
Classification: Uncertain significance. Last evaluated: 2022-07-05. Review status: criteria provided, single submitter. Criteria: GeneDx Variant Classification Process June 2021. Collection method: clinical testing. Allele origin: germline. Affected: yes.
Comment: Not observed at significant frequency in large population cohorts (gnomAD); In silico analysis supports that this missense variant has a deleterious effect on protein structure/function; Observed in an individual with acute myeloid leukemia (Udani 2012); This variant is associated with the following publications: (PMID: 21455213, Udani2012[abstract])